The following is an entry in ClinVar:

ClinVar aggregate classification (germline): Likely pathogenic. Review status: criteria provided, single submitter (1 of 4 stars). 2 submissions from 2 submitters: Likely pathogenic (1). 1 of the submissions does not count toward it. Last evaluated 2022-10-23.

Conditions:
Jeune thoracic dystrophy. Also called: Jeune syndrome; Infantile thoracic dystrophy; Thoracic pelvic phalangeal dystrophy; Jeune's syndrome; Chondroectodermal dysplasia-like syndrome; Short-rib thoracic dysplasia. Identifiers: Orphanet 474, MedGen C0265275, MONDO:0018770.
Nephronophthisis. Also called: Juvenile Nephronophthisis. Identifiers: Orphanet 655, MedGen C0687120, MONDO:0019005, HP:0000090.
Asphyxiating thoracic dystrophy 4 (SRTD4). Also called: SHORT-RIB THORACIC DYSPLASIA 4 WITH OR WITHOUT POLYDACTYLY; SHORT-RIB THORACIC DYSPLASIA 4. Identifiers: Orphanet 474, MedGen C3151185, MONDO:0013441, OMIM 613819.

Allele frequency attached by ClinVar (database versions not stated): ExAC 0.00001.
gnomAD v4.1: 1 of 1,613,646 alleles (0.000062%); highest among the groups gnomAD compares: Non-Finnish European, 0.000085%; no homozygotes.

Submissions (2):

Labcorp Genetics (formerly Invitae), Labcorp
Classification: Likely pathogenic for Jeune thoracic dystrophy; Nephronophthisis. Last evaluated: 2022-10-23. Review status: criteria provided, single submitter. Criteria: Invitae Variant Classification Sherloc (09022015). Collection method: clinical testing. Allele origin: germline.
Comment: In summary, the currently available evidence indicates that the variant is pathogenic, but additional data are needed to prove that conclusively. Therefore, this variant has been classified as Likely Pathogenic. Algorithms developed to predict the effect of sequence changes on RNA splicing suggest that this variant may disrupt the consensus splice site. ClinVar contains an entry for this variant (Variation ID: 545537). Disruption of this splice site has been observed in individual(s) with Jeune asphyxiating thoracic dystrophy (PMID: 25492405). This variant is not present in population databases (gnomAD no frequency). This sequence change affects an acceptor splice site in intron 2 of the TTC21B gene. It is expected to disrupt RNA splicing. Variants that disrupt the donor or acceptor splice site typically lead to a loss of protein function (PMID: 16199547), and loss-of-function variants in TTC21B are known to be pathogenic (PMID: 18327258, 21068128, 21258341, 23559409, 24876116, 25492405, 27491411, 29068549).

OMIM
Classification: Pathogenic for SHORT-RIB THORACIC DYSPLASIA 4 WITHOUT POLYDACTYLY. Last evaluated: 2018-06-18. Review status: no assertion criteria provided. Collection method: literature only. Allele origin: germline. Not counted in ClinVar's aggregate classification.

Literature cited by the submitters: PubMed 25492405 (cited by Labcorp Genetics (formerly Invitae), Labcorp and OMIM); PubMed 16199547 (cited by Labcorp Genetics (formerly Invitae), Labcorp); PubMed 18327258 (cited by Labcorp Genetics (formerly Invitae), Labcorp); PubMed 21068128 (cited by Labcorp Genetics (formerly Invitae), Labcorp); PubMed 21258341 (cited by Labcorp Genetics (formerly Invitae), Labcorp); PubMed 23559409 (cited by Labcorp Genetics (formerly Invitae), Labcorp); PubMed 24876116 (cited by Labcorp Genetics (formerly Invitae), Labcorp); PubMed 27491411 (cited by Labcorp Genetics (formerly Invitae), Labcorp); PubMed 29068549 (cited by Labcorp Genetics (formerly Invitae), Labcorp).

NM_024753.5(TTC21B):c.152-2A>G

Gene: TTC21B (tetratricopeptide repeat domain 21B; minus strand). Cytogenetic location: 2q24.3.
Variant type: single nucleotide variant.
Coding change: c.152-2A>G on transcript NM_024753.5 (MANE Select); the canonical splice acceptor site of the intron before coding-DNA position 152, A replaced by G.
Molecular consequence: splice acceptor variant.
Genome position (GRCh38, 1-based): chr2:165,949,506, T>C on the plus strand (A>G on the coding strand, the complement: TTC21B is on the minus strand). VCF-style: chr2-165949506-T-C. GRCh37 (hg19) VCF-style: chr2-166806016-T-C.
Other names: IVS3AS, A-G, -2.
Identifiers: ClinVar variation 545537 (VCV000545537.6), dbSNP rs760214276, ClinGen allele CA1942533.